The following is an entry in ClinVar:

NM_001282225.2(ADA2):c.1033G>A (p.Ala345Thr)

Gene: ADA2 (adenosine deaminase 2; minus strand). Cytogenetic location: 22q11.1.
Variant type: single nucleotide variant.
Coding change: c.1033G>A on transcript NM_001282225.2 (MANE Select); coding-DNA position 1033, G replaced by A.
Protein change: p.Ala345Thr; replaces alanine 345 with threonine.
Molecular consequence: missense variant.
Genome position (GRCh38, 1-based): chr22:17,188,387, C>T on the plus strand (G>A on the coding strand, the complement: ADA2 is on the minus strand). VCF-style: chr22-17188387-C-T. GRCh37 (hg19) VCF-style: chr22-17669277-C-T.
Other names: c.1033G>A, p.Ala345Thr (NM_001282226.2); c.907G>A, p.Ala303Thr (NM_001282227.2, NM_001282228.2); c.673G>A, p.Ala225Thr (NM_001282229.2); c.310G>A, p.Ala104Thr (NM_177405.3); short protein forms A303T, A225T, A104T, A345T.
Identifiers: ClinVar variation 963061 (VCV000963061.6), dbSNP rs752798667, ClinGen allele CA10087995.
Genomic context (GRCh38, chr22:17,188,387, plus strand): 5'-CCGCAGGCTCACCTGTTTCTCCGGCGTGGAAGAAGTAAGGCAGCTTAACGCCATCCTTGG[C>T]GGGGATCATCAGAGCTTCCTTGTAGTCATGCAAGGAGTGGCCAGTGTCCTCATGCCCCAC-3'
Protein context (NP_001269154.1, residues 335-355): HDYKEALMIP[Ala345Thr]KDGVKLPYFF

ClinVar aggregate classification (germline): Uncertain significance (1 of 4 stars; one submission).

Conditions:
Deficiency of adenosine deaminase 2. Also called: Polyarteritis nodosa, childhoood-onset; Adenosine Deaminase 2 Deficiency; VASCULITIS, AUTOINFLAMMATION, IMMUNODEFICIENCY, AND HEMATOLOGIC DEFECTS SYNDROME. Identifiers: Orphanet 404553, MedGen C3887654, MONDO:0014306, OMIM 615688, MONDO:0100317.

Allele frequency attached by ClinVar (database versions not stated): gnomAD 0.00004 and 0.00003; gnomAD exomes 0.00005; TOPMed 0.00006; ExAC 0.00007.
gnomAD v4.1: 36 of 1,613,986 alleles (0.0022%); highest among the groups gnomAD compares: East Asian, 0.018%; no homozygotes.

Submission:

Labcorp Genetics (formerly Invitae), Labcorp
Classification: Uncertain significance for Deficiency of adenosine deaminase 2. Last evaluated: 2024-10-22. Review status: criteria provided, single submitter. Criteria: Invitae Variant Classification Sherloc (09022015). Collection method: clinical testing. Allele origin: germline.
Comment: This sequence change replaces alanine, which is neutral and non-polar, with threonine, which is neutral and polar, at codon 345 of the ADA2 protein (p.Ala345Thr). This variant is present in population databases (rs752798667, gnomAD 0.02%). This missense change has been observed in individual(s) with myelin oligodendrocyte glycoprotein antibody-associated disease (PMID: 35960392). ClinVar contains an entry for this variant (Variation ID: 963061). Invitae Evidence Modeling of protein sequence and biophysical properties (such as structural, functional, and spatial information, amino acid conservation, physicochemical variation, residue mobility, and thermodynamic stability) indicates that this missense variant is not expected to disrupt ADA2 protein function with a negative predictive value of 95%. In summary, the available evidence is currently insufficient to determine the role of this variant in disease. Therefore, it has been classified as a Variant of Uncertain Significance.

Literature cited by the submitters: PubMed 35960392.